The following is an entry in ClinVar:

ClinVar aggregate classification (germline): Conflicting classifications of pathogenicity. Review status: criteria provided, conflicting classifications (1 of 4 stars). 3 submissions from 3 submitters: Uncertain significance (2); Likely benign (1). Last evaluated 2024-08-27.

Allele frequency attached by ClinVar (database versions not stated): gnomAD exomes 0.00024 and 0.00035; ExAC 0.00023; ESP Exome Variant Server 0.00023; gnomAD 0.00024 and 0.00025; TOPMed 0.00025; 1000 Genomes Project 30x 0.00031; 1000 Genomes Project 0.00040.
gnomAD v4.1: 540 of 1,607,924 alleles (0.034%); highest among the groups gnomAD compares: East Asian, 0.062%; 3 homozygotes.

Submissions (3):

Blueprint Genetics
Classification: Likely benign. Last evaluated: 2024-08-27. Review status: criteria provided, single submitter. Criteria: ACMG Guidelines, 2015. Collection method: clinical testing. Allele origin: germline.

Labcorp Genetics (formerly Invitae), Labcorp
Classification: Uncertain significance. Last evaluated: 2022-10-25. Review status: criteria provided, single submitter. Criteria: Invitae Variant Classification Sherloc (09022015). Collection method: clinical testing. Allele origin: germline.
Comment: This sequence change replaces threonine, which is neutral and polar, with methionine, which is neutral and non-polar, at codon 565 of the GRM6 protein (p.Thr565Met). This variant is present in population databases (rs150648013, gnomAD 0.03%). This variant has not been reported in the literature in individuals affected with GRM6-related conditions. ClinVar contains an entry for this variant (Variation ID: 849610). Advanced modeling of protein sequence and biophysical properties (such as structural, functional, and spatial information, amino acid conservation, physicochemical variation, residue mobility, and thermodynamic stability) performed at Invitae indicates that this missense variant is not expected to disrupt GRM6 protein function. In summary, the available evidence is currently insufficient to determine the role of this variant in disease. Therefore, it has been classified as a Variant of Uncertain Significance.

Breakthrough Genomics
Classification: Uncertain significance. Review status: criteria provided, single submitter. Criteria: ACMG Guidelines, 2015. Collection method: not provided. Allele origin: germline. Inheritance: Autosomal recessive inheritance. Affected: yes.

NM_000843.4(GRM6):c.1694C>T (p.Thr565Met)

Genes: GRM6 (glutamate metabotropic receptor 6; minus strand), ZNF454 (zinc finger protein 454; plus strand). Cytogenetic location: 5q35.3.
Variant type: single nucleotide variant.
Coding change: c.1694C>T on transcript NM_000843.4 (MANE Select); coding-DNA position 1694, C replaced by T.
Protein change: p.Thr565Met; replaces threonine 565 with methionine.
Molecular consequence: missense variant.
Genome position (GRCh38, 1-based): chr5:178,986,560, G>A on the plus strand (C>T on the coding strand, the complement: GRM6 is on the minus strand). VCF-style: chr5-178986560-G-A. GRCh37 (hg19) VCF-style: chr5-178413561-G-A.
Other names: short protein forms T565M.
Identifiers: ClinVar variation 849610 (VCV000849610.7), dbSNP rs150648013, ClinGen allele CA3593956.
Genomic context (GRCh38, chr5:178,986,560, plus strand): 5'-CAGGGGGAGGACCAGCTCAGGCGCACCACAGGTGTGGGGCGGCAGCCCGTGTGGTTGGGC[G>A]TGGGCCTCATGTCCCCAGGACAGGCCTCGCATGTGAACTCGTCCACCTGGAAGCGGTACC-3'
Protein context (NP_000834.2, residues 555-575): CEACPGDMRP[Thr565Met]PNHTGCRPTP